The following is an entry in ClinVar:

NM_000540.3(RYR1):c.14500A>T (p.Asn4834Tyr)

Gene: RYR1 (ryanodine receptor 1; plus strand). Cytogenetic location: 19q13.2.
Variant type: single nucleotide variant.
Coding change: c.14500A>T on transcript NM_000540.3 (MANE Select); coding-DNA position 14500, A replaced by T.
Protein change: p.Asn4834Tyr; replaces asparagine 4834 with tyrosine.
Molecular consequence: missense variant.
Genome position (GRCh38, 1-based): chr19:38,580,117, A>T. VCF-style: chr19-38580117-A-T. GRCh37 (hg19) VCF-style: chr19-39070757-A-T.
Other names: c.14485A>T, p.Asn4829Tyr (NM_001042723.2); short protein forms N4834Y, N4829Y.
Identifiers: ClinVar variation 3636251 (VCV003636251.2).

ClinVar aggregate classification (germline): Uncertain significance (1 of 4 stars; one submission).

Conditions:
RYR1-related disorder. Also called: RYR1-related condition; RYR1-related disorders. Identifiers: MedGen CN239331.

Submission:

Labcorp Genetics (formerly Invitae), Labcorp
Classification: Uncertain significance for RYR1-related disorder. Last evaluated: 2024-02-20. Review status: criteria provided, single submitter. Criteria: Invitae Variant Classification Sherloc (09022015). Collection method: clinical testing. Allele origin: germline.
Comment: This sequence change replaces asparagine, which is neutral and polar, with tyrosine, which is neutral and polar, at codon 4834 of the RYR1 protein (p.Asn4834Tyr). This variant is not present in population databases (gnomAD no frequency). This missense change has been observed in individual(s) with autosomal dominant central core disease (PMID: 35627144). Advanced modeling of protein sequence and biophysical properties (such as structural, functional, and spatial information, amino acid conservation, physicochemical variation, residue mobility, and thermodynamic stability) performed at Invitae indicates that this missense variant is expected to disrupt RYR1 protein function with a positive predictive value of 95%. In summary, the available evidence is currently insufficient to determine the role of this variant in disease. Therefore, it has been classified as a Variant of Uncertain Significance.

Literature cited by the submitters: PubMed 35627144.